The following is an entry in ClinVar:

ClinVar aggregate classification (germline): Likely benign. Review status: criteria provided, multiple submitters, no conflicts (2 of 4 stars). 3 submissions from 3 submitters: Likely benign (3). Last evaluated 2025-05-18.

Conditions:
Aortic aneurysm, familial thoracic 8 (AAT8). Identifiers: MedGen C3809513, MONDO:0014187, OMIM 615436.
Familial thoracic aortic aneurysm and aortic dissection (TAAD). Also called: Thoracic aortic aneurysms and dissections. Identifiers: Orphanet 91387, MedGen C4707243, MONDO:0019625.

Allele frequency attached by ClinVar (database versions not stated): TOPMed below 0.00001; gnomAD 0.00003; gnomAD exomes 0.00003; ExAC 0.00006; 1000 Genomes Project 30x 0.00047.
gnomAD v4.1: 48 of 1,606,936 alleles (0.003%); highest among the groups gnomAD compares: South Asian, 0.052%; no homozygotes.

Submissions (3):

Ambry Genetics
Classification: Likely benign for Familial thoracic aortic aneurysm and aortic dissection. Last evaluated: 2025-05-18. Review status: criteria provided, single submitter. Criteria: Ambry Variant Classification Scheme 2023. Collection method: clinical testing. Allele origin: germline.

Labcorp Genetics (formerly Invitae), Labcorp
Classification: Likely benign for Aortic aneurysm, familial thoracic 8. Last evaluated: 2024-12-20. Review status: criteria provided, single submitter. Criteria: Invitae Variant Classification Sherloc (09022015). Collection method: clinical testing. Allele origin: germline.

CeGaT Center for Human Genetics Tuebingen
Classification: Likely benign. Last evaluated: 2022-08-01. Review status: criteria provided, single submitter. Criteria: CeGaT Center For Human Genetics Tuebingen Variant Classification Criteria Version 2. Collection method: clinical testing. Allele origin: germline. Affected: yes. Observed: 1 variant allele.
Comment: PRKG1: BP4, BS2

NM_006258.4(PRKG1):c.1584G>A (p.Lys528=)

Gene: PRKG1 (protein kinase cGMP-dependent 1; plus strand). Cytogenetic location: 10q21.1.
Variant type: single nucleotide variant.
Coding change: c.1584G>A on transcript NM_006258.4 (MANE Select); coding-DNA position 1584, G replaced by A.
Protein change: p.Lys528=; no amino-acid change (lysine 528 retained).
Molecular consequence: synonymous variant.
Genome position (GRCh38, 1-based): chr10:52,282,191, G>A. VCF-style: chr10-52282191-G-A. GRCh37 (hg19) VCF-style: chr10-54041951-G-A.
Other names: c.1584G>A (NM_006258.3); c.1539G>A, p.Lys513= (NM_001098512.3); c.375G>A, p.Lys125= (NM_001374781.1).
Identifiers: ClinVar variation 2640476 (VCV002640476.27), dbSNP rs745426696, ClinGen allele CA5503897.
Genomic context (GRCh38, chr10:52,282,191, plus strand): 5'-CTTGTTTTTCTCTCTTTGTAAGGTTGATTTTGGCTTTGCAAAGAAAATAGGATTTGGAAA[G>A]AAAACATGGACTTTTTGTGGGACTCCAGAGTATGTAGCCCCAGAGATCATCCTGAACAAA-3'
Protein context (NP_006249.1, residues 518-538): FGFAKKIGFG[Lys528=]KTWTFCGTPE